The following is an entry in ClinVar:

ClinVar aggregate classification (germline): Uncertain significance (1 of 4 stars; one submission).

Conditions:
Charcot-Marie-Tooth disease axonal type 2C (HMSN2C). Also called: CHARCOT-MARIE-TOOTH DISEASE, AXONAL, AUTOSOMAL DOMINANT, TYPE 2C; Charcot-Marie-Tooth Neuropathy Type 2C; Charcot-Marie-Tooth Disease Type 2, TRPV4-Related (CMT2C). Identifiers: Orphanet 99937, MedGen C1853710, MONDO:0011633, OMIM 606071.

Allele frequency attached by ClinVar (database versions not stated): gnomAD exomes 0.00001.
gnomAD v4.1: 10 of 1,613,808 alleles (0.00062%); highest among the groups gnomAD compares: Non-Finnish European, 0.00085%; no homozygotes.

Submission:

Labcorp Genetics (formerly Invitae), Labcorp
Classification: Uncertain significance for Charcot-Marie-Tooth disease axonal type 2C. Last evaluated: 2017-09-12. Review status: criteria provided, single submitter. Criteria: Invitae Variant Classification Sherloc (09022015). Collection method: clinical testing. Allele origin: germline.
Comment: This sequence change replaces cysteine with phenylalanine at codon 480 of the TRPV4 protein (p.Cys480Phe). The cysteine residue is weakly conserved and there is a large physicochemical difference between cysteine and phenylalanine. This variant is not present in population databases (ExAC no frequency). This variant has not been reported in the literature in individuals with TRPV4-related disease. Algorithms developed to predict the effect of missense changes on protein structure and function do not agree on the potential impact of this missense change (SIFT: "Deleterious"; PolyPhen-2: "Benign"; Align-GVGD: "Class C0"). In summary, the available evidence is currently insufficient to determine the role of this variant in disease. Therefore, it has been classified as a Variant of Uncertain Significance.

NM_021625.5(TRPV4):c.1439G>T (p.Cys480Phe)

Gene: TRPV4 (transient receptor potential cation channel subfamily V member 4; minus strand). Cytogenetic location: 12q24.11.
Variant type: single nucleotide variant.
Coding change: c.1439G>T on transcript NM_021625.5 (MANE Select); coding-DNA position 1439, G replaced by T.
Protein change: p.Cys480Phe; replaces cysteine 480 with phenylalanine.
Molecular consequence: missense variant.
Genome position (GRCh38, 1-based): chr12:109,794,381, C>A on the plus strand (G>T on the coding strand, the complement: TRPV4 is on the minus strand). VCF-style: chr12-109794381-C-A. GRCh37 (hg19) VCF-style: chr12-110232186-C-A.
Other names: c.1259G>T, p.Cys420Phe (NM_147204.3); c.1298G>T, p.Cys433Phe (NM_001177428.2); c.1337G>T, p.Cys446Phe (NM_001177431.2); c.1118G>T, p.Cys373Phe (NM_001177433.2); short protein forms C480F, C446F, C433F, C373F, C420F.
Identifiers: ClinVar variation 536870 (VCV000536870.7), dbSNP rs943346163, ClinGen allele CA243463856.